The following is an entry in ClinVar:

NM_178172.6(GPIHBP1):c.272C>A (p.Thr91Asn)

Gene: GPIHBP1 (glycosylphosphatidylinositol anchored high density lipoprotein binding protein 1; plus strand). Cytogenetic location: 8q24.3.
Variant type: single nucleotide variant.
Coding change: c.272C>A on transcript NM_178172.6 (MANE Select); coding-DNA position 272, C replaced by A.
Protein change: p.Thr91Asn; replaces threonine 91 with asparagine.
Molecular consequence: missense variant.
Genome position (GRCh38, 1-based): chr8:143,215,103, C>A. VCF-style: chr8-143215103-C-A. GRCh37 (hg19) VCF-style: chr8-144296978-C-A.
Other names: c.272C>A, p.Thr91Asn (NM_001301772.2); short protein forms T91N.
Identifiers: ClinVar variation 1705446 (VCV001705446.1), dbSNP rs542034857, ClinGen allele CA372402131.

ClinVar aggregate classification (germline): Uncertain significance (1 of 4 stars; one submission).

Conditions:
Hyperlipoproteinemia, type 1D. Also called: Hyperlipoproteinemia, type ID. Identifiers: Orphanet 444490, Orphanet 535458, MedGen C4014767, MONDO:0014412, OMIM 615947.

Submission:

3billion
Classification: Uncertain significance for Hyperlipoproteinemia, type 1D. Last evaluated: 2022-09-01. Review status: criteria provided, single submitter. Criteria: ACMG Guidelines, 2015. Collection method: clinical testing. Allele origin: germline. Affected: yes. Observed: 1 homozygote.
Comment: The variant is not observed in the gnomAD v2.1.1 dataset. Missense changes are a common disease-causing mechanism. In silico tool predictions suggest no damaging effect of the variant on gene or gene product (REVEL: 0.23; 3Cnet: 0.00). Therefore, this variant is classified as uncertain significance according to the recommendation of ACMG/AMP guideline.